The following is an entry in ClinVar:

NM_182641.4(BPTF):c.2995G>A (p.Val999Met)

Gene: BPTF (bromodomain PHD finger transcription factor; plus strand). Cytogenetic location: 17q24.2.
Variant type: single nucleotide variant.
Coding change: c.2995G>A on transcript NM_182641.4 (MANE Select); coding-DNA position 2995, G replaced by A.
Protein change: p.Val999Met; replaces valine 999 with methionine.
Molecular consequence: missense variant.
Genome position (GRCh38, 1-based): chr17:67,910,879, G>A. VCF-style: chr17-67910879-G-A. GRCh37 (hg19) VCF-style: chr17-65906995-G-A.
Other names: c.3373G>A, p.Val1125Met (NM_004459.7); short protein forms V1125M, V999M.
Identifiers: ClinVar variation 3660626 (VCV003660626.2).
Genomic context (GRCh38, chr17:67,910,879, plus strand): 5'-TATAAATTCCTCCTTTCAGAGTAAAAATTACATTTATATAAATGTCTTTGTTTCACAGAT[G>A]TGAAGGAGCTCTTAGATTCTGACAGTGATAAACCCTGCAAGGAAGAACCAATGGAAGTAG-3'
Protein context (NP_872579.2, residues 989-1009): SKITEKKDQD[Val999Met]KELLDSDSDK

ClinVar aggregate classification (germline): Uncertain significance (1 of 4 stars; one submission).

Submission:

Labcorp Genetics (formerly Invitae), Labcorp
Classification: Uncertain significance. Last evaluated: 2024-08-01. Review status: criteria provided, single submitter. Criteria: Invitae Variant Classification Sherloc (09022015). Collection method: clinical testing. Allele origin: germline.
Comment: This sequence change replaces valine, which is neutral and non-polar, with methionine, which is neutral and non-polar, at codon 1125 of the BPTF protein (p.Val1125Met). This variant is not present in population databases (gnomAD no frequency). This variant has not been reported in the literature in individuals affected with BPTF-related conditions. An algorithm developed to predict the effect of missense changes on protein structure and function outputs the following: PolyPhen-2: "Benign". The methionine amino acid residue is found in multiple mammalian species, which suggests that this missense change does not adversely affect protein function. In summary, the available evidence is currently insufficient to determine the role of this variant in disease. Therefore, it has been classified as a Variant of Uncertain Significance.